The following is an entry in ClinVar:

ClinVar aggregate classification (germline): Conflicting classifications of pathogenicity. Review status: criteria provided, conflicting classifications (1 of 4 stars). 7 submissions from 7 submitters: Uncertain significance (4); Likely benign (1). 2 of the submissions do not count toward it. Last evaluated 2026-01-21.

Conditions:
Cardiovascular phenotype. Identifiers: MedGen CN230736.
Alstrom syndrome (ALMS). Identifiers: Orphanet 64, MedGen C0268425, MONDO:0008763, OMIM 203800.

Allele frequency attached by ClinVar (database versions not stated): gnomAD exomes 0.00005; ExAC 0.00007.
gnomAD v4.1: 103 of 1,613,672 alleles (0.0064%); highest among the groups gnomAD compares: Non-Finnish European, 0.0085%; no homozygotes.

Submissions (7):

Labcorp Genetics (formerly Invitae), Labcorp
Classification: Uncertain significance for Alstrom syndrome. Last evaluated: 2026-01-21. Review status: criteria provided, single submitter. Criteria: Invitae Variant Classification Sherloc (09022015). Collection method: clinical testing. Allele origin: germline.
Comment: This sequence change replaces threonine, which is neutral and polar, with alanine, which is neutral and non-polar, at codon 1664 of the ALMS1 protein (p.Thr1664Ala). This variant is present in population databases (rs770424780, gnomAD 0.01%). This variant has not been reported in the literature in individuals affected with ALMS1-related conditions. ClinVar contains an entry for this variant (Variation ID: 1206294). Experimental studies and prediction algorithms are not available or were not evaluated, and the functional significance of this variant is currently unknown. In summary, the available evidence is currently insufficient to determine the role of this variant in disease. Therefore, it has been classified as a Variant of Uncertain Significance.

Ambry Genetics
Classification: Likely benign for Cardiovascular phenotype. Last evaluated: 2024-07-19. Review status: criteria provided, single submitter. Criteria: Ambry Variant Classification Scheme 2023. Collection method: clinical testing. Allele origin: germline.

GeneDx
Classification: Uncertain significance. Last evaluated: 2024-04-29. Review status: criteria provided, single submitter. Criteria: GeneDx Variant Classification Process June 2021. Collection method: clinical testing. Allele origin: germline. Affected: yes.
Comment: Not observed at significant frequency in large population cohorts (gnomAD); In silico analysis, which includes protein predictors and evolutionary conservation, supports that this variant does not alter protein structure/function; Has not been previously published as pathogenic or benign to our knowledge

Women's Health and Genetics/Laboratory Corporation of America, LabCorp
Classification: Uncertain significance. Last evaluated: 2022-08-27. Review status: criteria provided, single submitter. Criteria: LabCorp Variant Classification Summary - May 2015. Collection method: clinical testing. Allele origin: germline.

Fulgent Genetics
Classification: Uncertain significance for Alstrom syndrome. Last evaluated: 2022-05-03. Review status: criteria provided, single submitter. Criteria: ACMG Guidelines, 2015. Collection method: clinical testing. Allele origin: unknown.

Joint Genome Diagnostic Labs from Nijmegen and Maastricht, Radboudumc and MUMC+
Classification: Likely benign. Review status: no assertion criteria provided. Collection method: clinical testing. Allele origin: germline. Affected: yes. Study: VKGL Data-share Consensus. Not counted in ClinVar's aggregate classification.

Laboratory of Diagnostic Genome Analysis, Leiden University Medical Center (LUMC)
Classification: Likely benign. Review status: no assertion criteria provided. Collection method: clinical testing. Allele origin: germline. Affected: yes. Study: VKGL Data-share Consensus. Not counted in ClinVar's aggregate classification.

NM_001378454.1(ALMS1):c.4987A>G (p.Thr1663Ala)

Gene: ALMS1 (ALMS1 centrosome and basal body associated protein; plus strand). Cytogenetic location: 2p13.1.
Variant type: single nucleotide variant.
Coding change: c.4987A>G on transcript NM_001378454.1 (MANE Select); coding-DNA position 4987, A replaced by G.
Protein change: p.Thr1663Ala; replaces threonine 1663 with alanine.
Molecular consequence: missense variant.
Genome position (GRCh38, 1-based): chr2:73,451,514, A>G. VCF-style: chr2-73451514-A-G. GRCh37 (hg19) VCF-style: chr2-73678641-A-G.
Other names: c.4990A>G, p.Thr1664Ala (NM_015120.4); short protein forms T1663A, T1664A.
Identifiers: ClinVar variation 1206294 (VCV001206294.14), dbSNP rs770424780, ClinGen allele CA1713807.